The following is an entry in ClinVar:

NM_005732.4(RAD50):c.413G>C (p.Arg138Pro)

Gene: RAD50 (RAD50 double strand break repair protein; plus strand). Cytogenetic location: 5q31.1.
Variant type: single nucleotide variant.
Coding change: c.413G>C on transcript NM_005732.4 (MANE Select); coding-DNA position 413, G replaced by C.
Protein change: p.Arg138Pro; replaces arginine 138 with proline.
Molecular consequence: missense variant.
Genome position (GRCh38, 1-based): chr5:132,579,364, G>C. VCF-style: chr5-132579364-G-C. GRCh37 (hg19) VCF-style: chr5-131915056-G-C.
Other names: short protein forms R138P.
Identifiers: ClinVar variation 824621 (VCV000824621.4), dbSNP rs587781571, ClinGen allele CA360933738.
Genomic context (GRCh38, chr5:132,579,364, plus strand): 5'-TCATTTTCTGTAGGCATGGTGAAAAGGTCAGTCTGAGCTCTAAGTGTGCAGAAATTGACC[G>C]AGAAATGATCAGTTCTCTTGGGGTTTCCAAGGCTGTGCTAAATAATGTCATTTTCTGTCA-3'
Protein context (NP_005723.2, residues 128-148): SLSSKCAEID[Arg138Pro]EMISSLGVSK

ClinVar aggregate classification (germline): Uncertain significance (1 of 4 stars; one submission).

Conditions:
Hereditary cancer-predisposing syndrome. Also called: Neoplastic Syndromes, Hereditary; Tumor predisposition; Hereditary neoplastic syndrome; Hereditary Cancer Syndrome. Identifiers: Orphanet 140162, MedGen C0027672, MeSH D009386, MONDO:0015356.

Submission:

Ambry Genetics
Classification: Uncertain significance for Hereditary cancer-predisposing syndrome. Last evaluated: 2018-02-27. Review status: criteria provided, single submitter. Criteria: Ambry Variant Classification Scheme 2023. Collection method: clinical testing. Allele origin: germline.
Comment: The p.R138P variant (also known as c.413G>C), located in coding exon 4 of the RAD50 gene, results from a G to C substitution at nucleotide position 413. The arginine at codon 138 is replaced by proline, an amino acid with dissimilar properties. In addition, the in silico prediction for this alteration is inconclusive. Since supporting evidence is limited at this time, the clinical significance of this alteration remains unclear.